The following is an entry in ClinVar:

NM_002660.3(PLCG1):c.2445C>T (p.Ser815=)

Gene: PLCG1 (phospholipase C gamma 1; plus strand). Cytogenetic location: 20q12.
Variant type: single nucleotide variant.
Coding change: c.2445C>T on transcript NM_002660.3 (MANE Select); coding-DNA position 2445, C replaced by T.
Protein change: p.Ser815=; no amino-acid change (serine 815 retained).
Molecular consequence: synonymous variant.
Genome position (GRCh38, 1-based): chr20:41,168,832, C>T. VCF-style: chr20-41168832-C-T. GRCh37 (hg19) VCF-style: chr20-39797472-C-T.
Other names: c.2445C>T, p.Ser815= (NM_182811.2).
Identifiers: ClinVar variation 2652324 (VCV002652324.24), dbSNP rs919529131, ClinGen allele CA314499516.

ClinVar aggregate classification (germline): Likely benign (1 of 4 stars; one submission).

Allele frequency attached by ClinVar (database versions not stated): TOPMed 0.00002.
gnomAD v4.1: 10 of 1,612,146 alleles (0.00062%); highest among the groups gnomAD compares: South Asian, 0.0011%; no homozygotes.

Submission:

CeGaT Center for Human Genetics Tuebingen
Classification: Likely benign. Last evaluated: 2022-07-01. Review status: criteria provided, single submitter. Criteria: CeGaT Center For Human Genetics Tuebingen Variant Classification Criteria Version 2. Collection method: clinical testing. Allele origin: germline. Affected: yes. Observed: 1 variant allele.
Comment: PLCG1: BP4, BP7